The following is an entry in ClinVar:

NM_138383.3(MTSS2):c.1730C>T (p.Ala577Val)

Gene: MTSS2 (MTSS I-BAR domain containing 2; minus strand). Cytogenetic location: 16q22.1.
Variant type: single nucleotide variant.
Coding change: c.1730C>T on transcript NM_138383.3 (MANE Select); coding-DNA position 1730, C replaced by T.
Protein change: p.Ala577Val; replaces alanine 577 with valine.
Molecular consequence: missense variant.
Genome position (GRCh38, 1-based): chr16:70,664,191, G>A on the plus strand (C>T on the coding strand, the complement: MTSS2 is on the minus strand). VCF-style: chr16-70664191-G-A. GRCh37 (hg19) VCF-style: chr16-70698094-G-A.
Other names: short protein forms A577V.
Identifiers: ClinVar variation 3770567 (VCV003770567.13).

ClinVar aggregate classification (germline): Benign (1 of 4 stars; one submission).

gnomAD v4.1: 17,896 of 1,599,090 alleles (1.1%); highest among the groups gnomAD compares: South Asian, 1.3%; 120 homozygotes.

Submission:

CeGaT Center for Human Genetics Tuebingen
Classification: Benign. Last evaluated: 2026-08-01. Review status: criteria provided, single submitter. Criteria: CeGaT Center For Human Genetics Tuebingen Variant Classification Criteria Version 2. Collection method: clinical testing. Allele origin: germline. Affected: yes. Observed: 9 variant alleles.
Comment: MTSS2: BS1, BS2